The following is an entry in ClinVar:

NM_000545.8(HNF1A):c.1676C>G (p.Ala559Gly)

Gene: HNF1A (HNF1 homeobox A; plus strand). Cytogenetic location: 12q24.31.
Variant type: single nucleotide variant.
Coding change: c.1676C>G on transcript NM_000545.8 (MANE Select); coding-DNA position 1676, C replaced by G.
Protein change: p.Ala559Gly; replaces alanine 559 with glycine.
Molecular consequence: missense variant.
Genome position (GRCh38, 1-based): chr12:120,999,535, C>G. VCF-style: chr12-120999535-C-G. GRCh37 (hg19) VCF-style: chr12-121437338-C-G.
Other names: c.1697C>G, p.Ala566Gly (NM_001306179.2); c.1484C>G, p.Ala495Gly (NM_001406915.1); short protein forms A495G, A559G, A566G.
Identifiers: ClinVar variation 4527435 (VCV004527435.1).

ClinVar aggregate classification (germline): Uncertain significance (1 of 4 stars; one submission).

Submission:

GeneDx
Classification: Uncertain significance. Last evaluated: 2025-04-23. Review status: criteria provided, single submitter. Criteria: GeneDx Variant Classification Process June 2021. Collection method: clinical testing. Allele origin: germline. Affected: yes.
Comment: Not observed at significant frequency in large population cohorts (gnomAD); In silico analysis indicates that this missense variant does not alter protein structure/function; Has not been previously published as pathogenic or benign to our knowledge; This variant is associated with the following publications: (PMID: 21224407)